The following is an entry in ClinVar:

ClinVar aggregate classification (germline): Uncertain significance. Review status: criteria provided, multiple submitters, no conflicts (2 of 4 stars). 3 submissions from 3 submitters: Uncertain significance (3). Last evaluated 2025-06-09.

Conditions:
Inborn genetic diseases. Identifiers: MedGen C0950123, MeSH D030342.

Allele frequency attached by ClinVar (database versions not stated): gnomAD exomes 0.00001 and below 0.00001; TOPMed 0.00002.

Submissions (3):

Ambry Genetics
Classification: Uncertain significance for Inborn genetic diseases. Last evaluated: 2025-06-09. Review status: criteria provided, single submitter. Criteria: Ambry Variant Classification Scheme 2023. Collection method: clinical testing. Allele origin: germline.

Labcorp Genetics (formerly Invitae), Labcorp
Classification: Uncertain significance. Last evaluated: 2024-02-17. Review status: criteria provided, single submitter. Criteria: Invitae Variant Classification Sherloc (09022015). Collection method: clinical testing. Allele origin: germline.
Comment: This sequence change replaces leucine, which is neutral and non-polar, with valine, which is neutral and non-polar, at codon 312 of the TUBGCP6 protein (p.Leu312Val). The frequency data for this variant in the population databases is considered unreliable, as metrics indicate poor data quality at this position in the gnomAD database. This variant has not been reported in the literature in individuals affected with TUBGCP6-related conditions. ClinVar contains an entry for this variant (Variation ID: 1194466). An algorithm developed to predict the effect of missense changes on protein structure and function (PolyPhen-2) suggests that this variant is likely to be disruptive. In summary, the available evidence is currently insufficient to determine the role of this variant in disease. Therefore, it has been classified as a Variant of Uncertain Significance.

GeneDx
Classification: Uncertain significance. Last evaluated: 2021-02-25. Review status: criteria provided, single submitter. Criteria: GeneDx Variant Classification Process June 2021. Collection method: clinical testing. Allele origin: germline. Affected: yes.
Comment: Not observed at a significant frequency in large population cohorts (Lek et al., 2016); In silico analysis supports that this missense variant does not alter protein structure/function; Has not been previously published as pathogenic or benign to our knowledge

NM_020461.4(TUBGCP6):c.934C>G (p.Leu312Val)

Gene: TUBGCP6 (tubulin gamma complex component 6; minus strand). Cytogenetic location: 22q13.33.
Variant type: single nucleotide variant.
Coding change: c.934C>G on transcript NM_020461.4 (MANE Select); coding-DNA position 934, C replaced by G.
Protein change: p.Leu312Val; replaces leucine 312 with valine.
Molecular consequence: missense variant.
Genome position (GRCh38, 1-based): chr22:50,233,498, G>C on the plus strand (C>G on the coding strand, the complement: TUBGCP6 is on the minus strand). VCF-style: chr22-50233498-G-C. GRCh37 (hg19) VCF-style: chr22-50671927-G-C.
Other names: short protein forms L312V.
Identifiers: ClinVar variation 1194466 (VCV001194466.9), dbSNP rs1317808663, ClinGen allele CA412110322.
Genomic context (GRCh38, chr22:50,233,498, plus strand): 5'-GGAGCTCCCCTTGGTGGAGCCTGCAGAACTTGTCGAAAGCGTCCCTTCCCGCCTCCGTCA[G>C]GTAAGGCTCCTCTCTGTGGCCAGGGGGGCTGCGAGGGGTGCAGAAGAGAGGCCATGAGCA-3'
Protein context (NP_065194.3, residues 302-322): CPPGHREEPY[Leu312Val]TEAGRDAFDK